The following is an entry in ClinVar:

ClinVar aggregate classification (germline): Uncertain significance. Review status: criteria provided, multiple submitters, no conflicts (2 of 4 stars). 2 submissions from 2 submitters: Uncertain significance (2). Last evaluated 2025-11-20.

Conditions:
Hereditary cancer-predisposing syndrome. Also called: Hereditary Cancer Syndrome; Tumor predisposition; Neoplastic Syndromes, Hereditary; Hereditary neoplastic syndrome. Identifiers: Orphanet 140162, MedGen C0027672, MeSH D009386, MONDO:0015356.
Multiple endocrine neoplasia type 4. Also called: MULTIPLE ENDOCRINE NEOPLASIA, TYPE IV. Identifiers: Orphanet 276152, MedGen C1970712, MONDO:0012552, OMIM 610755.

Allele frequency attached by ClinVar (database versions not stated): TOPMed below 0.00001.

Submissions (2):

Ambry Genetics
Classification: Uncertain significance for Hereditary cancer-predisposing syndrome. Last evaluated: 2025-11-20. Review status: criteria provided, single submitter. Criteria: Ambry Variant Classification Scheme 2023. Collection method: clinical testing. Allele origin: germline.
Comment: The p.M16I variant (also known as c.48G>A), located in coding exon 1 of the CDKN1B gene, results from a G to A substitution at nucleotide position 48. The methionine at codon 16 is replaced by isoleucine, an amino acid with highly similar properties. This amino acid position is not well conserved in available vertebrate species. In addition, the in silico prediction for this alteration is inconclusive. Based on the available evidence, the clinical significance of this variant remains unclear.

Labcorp Genetics (formerly Invitae), Labcorp
Classification: Uncertain significance for Multiple endocrine neoplasia type 4. Last evaluated: 2024-04-16. Review status: criteria provided, single submitter. Criteria: Invitae Variant Classification Sherloc (09022015). Collection method: clinical testing. Allele origin: germline.
Comment: This sequence change replaces methionine, which is neutral and non-polar, with isoleucine, which is neutral and non-polar, at codon 16 of the CDKN1B protein (p.Met16Ile). This variant is not present in population databases (gnomAD no frequency). This variant has not been reported in the literature in individuals affected with CDKN1B-related conditions. An algorithm developed to predict the effect of missense changes on protein structure and function (PolyPhen-2) suggests that this variant is likely to be tolerated. In summary, the available evidence is currently insufficient to determine the role of this variant in disease. Therefore, it has been classified as a Variant of Uncertain Significance.

NM_004064.5(CDKN1B):c.48G>A (p.Met16Ile)

Gene: CDKN1B (cyclin dependent kinase inhibitor 1B; plus strand). Cytogenetic location: 12p13.1.
Variant type: single nucleotide variant.
Coding change: c.48G>A on transcript NM_004064.5 (MANE Select); coding-DNA position 48, G replaced by A.
Protein change: p.Met16Ile; replaces methionine 16 with isoleucine.
Molecular consequence: missense variant.
Genome position (GRCh38, 1-based): chr12:12,717,887, G>A. VCF-style: chr12-12717887-G-A. GRCh37 (hg19) VCF-style: chr12-12870821-G-A.
Other names: short protein forms M16I.
Identifiers: ClinVar variation 3223680 (VCV003223680.4), dbSNP rs1946486852, ClinGen allele CA383968146.